The following continues an entry in ClinVar:

NM_000053.4(ATP7B):c.2297C>T (p.Thr766Met)

Gene: ATP7B. ClinVar aggregate classification (germline): Pathogenic/Likely pathogenic. Pathogenic (4); Likely pathogenic (11).

Submissions 7 to 15 of 15:

All of Us Research Program, National Institutes of Health
Classification: Likely pathogenic for Wilson disease. Last evaluated: 2024-08-06. Review status: criteria provided, single submitter. Criteria: ACMG Guidelines, 2015. Collection method: clinical testing. Allele origin: germline. Inheritance: Autosomal recessive inheritance. Observed: 10 variant alleles, 10 heterozygotes.
Comment: This missense variant replaces threonine with methionine at codon 766 of the ATP7B protein. Computational prediction suggests that this variant may have deleterious impact on protein structure and function. To our knowledge, functional studies have not been reported for this variant. This variant has been observed in individuals affected with autosomal recessive Wilson disease and a number of these cases have been confirmed to be in the homozygous state or compound heterozygous state with a second pathogenic variant (PMID: 16088907, 24094725, 26483271, 27022412, 29321352, 29930488, 30232804, 31059521, 33763395, 34240825). A different variant affecting the same codon, c.2297C>G (p.Thr766Arg), is considered to be disease-causing (ClinVar Variation ID: 3861), suggesting that threonine at this position is important for protein function. This variant has been identified in 11/280966 chromosomes in the general population by the Genome Aggregation Database (gnomAD). Based on the available evidence, this variant is classified as Likely Pathogenic.

This study involves interpretation of variants in research participants for the purpose of population health screening. Participant phenotype was not available at the time of variant classification. Additional details can be found in publication PMID: 35346344, PMCID: PMC8962531

Genetic Services Laboratory, University of Chicago
Classification: Likely pathogenic. Last evaluated: 2024-04-25. Review status: criteria provided, single submitter. Criteria: ACMG Guidelines, 2015. Collection method: clinical testing. Allele origin: germline. Affected: yes.
Comment: DNA sequence analysis of the ATP7B gene demonstrated a sequence change, c.2297C>T, in exon 8 that results in an amino acid change, p.Thr766Met. The p.Thr766Met change affects a highly conserved amino acid residue located in a domain of the ATP7B protein that is known to be functional. In-silico pathogenicity prediction tools (SIFT, PolyPhen2, Align GVGD, REVEL) provide contradictory results for the p.Thr766Met substitution. This sequence change has been described in the literature in the homozygous or compound heterozygous state in individuals with Wilson disease (PMID: 15557537, 33763395). This sequence change has been described in the gnomAD database with a frequency of 0.003% in the overall population (dbSNP rs121907997). The p.Thr766Met amino acid change occurs in a region of the ATP7B gene where other missense sequence changes have been described in individuals with Wilson disease. These collective evidences indicate that this sequence change is likely pathogenic, however functional studies have not been performed to prove this conclusively.

Baylor Genetics
Classification: Likely pathogenic for Wilson disease. Last evaluated: 2024-03-22. Review status: criteria provided, single submitter. Criteria: ACMG Guidelines, 2015. Collection method: clinical testing. Allele origin: unknown.

Fulgent Genetics
Classification: Pathogenic for Wilson disease. Last evaluated: 2023-12-29. Review status: criteria provided, single submitter. Criteria: ACMG Guidelines, 2015. Collection method: clinical testing. Allele origin: germline.

CeGaT Center for Human Genetics Tuebingen
Classification: Pathogenic. Last evaluated: 2023-05-01. Review status: criteria provided, single submitter. Criteria: CeGaT Center For Human Genetics Tuebingen Variant Classification Criteria Version 2. Collection method: clinical testing. Allele origin: germline. Affected: yes. Observed: 1 variant allele.
Comment: ATP7B: PM3:Strong, PM2, PM5, PP3, PP4

Blueprint Genetics
Classification: Likely pathogenic for ATP7B-related disorders. Last evaluated: 2023-02-17. Review status: criteria provided, single submitter. Criteria: ACMG Guidelines, 2015. Collection method: clinical testing. Allele origin: germline. Affected: yes. Observed: 1 variant allele.

AiLife Diagnostics
Classification: Likely pathogenic. Last evaluated: 2022-03-28. Review status: criteria provided, single submitter. Criteria: ACMG Guidelines, 2015. Collection method: clinical testing. Allele origin: germline. Affected: yes. Observed: 1 variant allele.

Genome-Nilou Lab
Classification: Likely pathogenic for Wilson disease. Last evaluated: 2021-08-10. Review status: criteria provided, single submitter. Criteria: ACMG Guidelines, 2015. Collection method: clinical testing. Allele origin: germline. Affected: no.

ARUP Laboratories, Molecular Genetics and Genomics, ARUP Laboratories
Classification: Likely pathogenic for Wilson disease. Last evaluated: 2020-06-15. Review status: criteria provided, single submitter. Criteria: ARUP Molecular Germline Variant Investigation Process. Collection method: clinical testing. Allele origin: germline.
Comment: The ATP7B c.2297C>T; p.Thr766Met variant (rs121907997) is reported in the medical literature in several individuals with a clinical diagnosis of Wilson disease (Cox 2005, Dong 2016, Mukherjee 2014). The variant is reported in the ClinVar database (Variation ID: 633064) and is listed in the general population with an overall allele frequency of 0.0039% (11/280,966 alleles) in the Genome Aggregation Database. The threonine at codon 766 is highly conserved, occurs in the highly conserved transmembrane domain, and computational analyses (SIFT, PolyPhen-2) predict that this variant is deleterious. Additionally, another variant at this codon (c.2297C>G; p.Thr766Arg) has been reported in individuals with Wilson disease (Pendlebury 2004, Wilcox 2011). Based on available information, this variant is considered to be likely pathogenic. References: Cox DW et al. Twenty-four Novel Mutations in Wilson Disease Patients of Predominantly European Ancestry. Hum Mutat. 2005 Sep;26(3):280. Dong Y et al. Spectrum and Classification of ATP7B Variants in a Large Cohort of Chinese Patients With Wilson's Disease Guides Genetic Diagnosis. Theranostics. 2016 Mar 3;6(5):638-49. Mukherjee S et al. Genetic Defects in Indian Wilson Disease Patients and Genotype-Phenotype Correlation. Parkinsonism Relat Disord. 2014 Jan;20(1):75-81 Pendlebury ST et al. Strokelike Presentation of Wilson Disease With Homozygosity for a Novel T766R Mutation. Neurology. 2004 Nov 23;63(10):1982-3. Wilcox RA et al. Whispering Dysphonia in an Australian Family (DYT4): A Clinical and Genetic Reappraisal. Mov Disord. 2011 Nov;26(13):2404-8.

Literature cited by the submitters: PubMed 16088907 (cited by 5 submitters); PubMed 24094725 (cited by 4 submitters); PubMed 26483271 (cited by 4 submitters); PubMed 27022412 (cited by 4 submitters); PubMed 29321352 (cited by 4 submitters); PubMed 29930488 (cited by 4 submitters); PubMed 31059521 (cited by 5 submitters); PubMed 33763395 (cited by 7 submitters); PubMed 15557537 (cited by Labcorp Genetics (formerly Invitae), Labcorp); PubMed 21956287 (cited by Labcorp Genetics (formerly Invitae), Labcorp); PubMed 17629589 (cited by Natera, Inc.); PubMed 30232804 (cited by 5 submitters); PubMed 37020998 (cited by Natera, Inc.); PubMed 34240825 (cited by 3 submitters); PubMed 35220961 (cited by Women's Health and Genetics/Laboratory Corporation of America, LabCorp); PubMed 22692182 (cited by AiLife Diagnostics); PubMed 30275481 (cited by AiLife Diagnostics).